The following is an entry in ClinVar:

ClinVar aggregate classification (germline): Uncertain significance (1 of 4 stars; one submission).

Conditions:
Ehlers-Danlos syndrome, dermatosparaxis type. Also called: EDS VIIC; Dermatosparaxis; Ehlers-Danlos syndrome, type VII, autosomal recessive. Identifiers: Orphanet 1901, MedGen C2700425, MONDO:0009161, OMIM 225410.

gnomAD v4.1: 7 of 1,612,824 alleles (0.00043%); highest among the groups gnomAD compares: Admixed American, 0.0033%; no homozygotes.

Submission:

Labcorp Genetics (formerly Invitae), Labcorp
Classification: Uncertain significance for Ehlers-Danlos syndrome, dermatosparaxis type. Last evaluated: 2024-10-17. Review status: criteria provided, single submitter. Criteria: Invitae Variant Classification Sherloc (09022015). Collection method: clinical testing. Allele origin: germline.
Comment: This sequence change replaces arginine, which is basic and polar, with cysteine, which is neutral and slightly polar, at codon 207 of the ADAMTS2 protein (p.Arg207Cys). This variant is present in population databases (no rsID available, gnomAD 0.004%). This variant has not been reported in the literature in individuals affected with ADAMTS2-related conditions. An algorithm developed to predict the effect of missense changes on protein structure and function (PolyPhen-2) suggests that this variant is likely to be disruptive. In summary, the available evidence is currently insufficient to determine the role of this variant in disease. Therefore, it has been classified as a Variant of Uncertain Significance.

NM_014244.5(ADAMTS2):c.619C>T (p.Arg207Cys)

Gene: ADAMTS2 (ADAM metallopeptidase with thrombospondin type 1 motif 2; minus strand). Cytogenetic location: 5q35.3.
Variant type: single nucleotide variant.
Coding change: c.619C>T on transcript NM_014244.5 (MANE Select); coding-DNA position 619, C replaced by T.
Protein change: p.Arg207Cys; replaces arginine 207 with cysteine.
Molecular consequence: missense variant.
Genome position (GRCh38, 1-based): chr5:179,272,980, G>A on the plus strand (C>T on the coding strand, the complement: ADAMTS2 is on the minus strand). VCF-style: chr5-179272980-G-A. GRCh37 (hg19) VCF-style: chr5-178699981-G-A.
Other names: c.619C>T, p.Arg207Cys (NM_021599.4); short protein forms R207C.
Identifiers: ClinVar variation 3674529 (VCV003674529.2).
Genomic context (GRCh38, chr5:179,272,980, plus strand): 5'-GGGCCTGTGGCCCCCCGAGAGGAGGGGACGTGGGTGGCCGGCGATACACCACATGCACAC[G>A]GCCTTGCTCAGCCTCCTGCGCCGCCAGCCCCTTCTCCAAGGGTTCGATGAAGAACTCCTC-3'
Protein context (NP_055059.2, residues 197-217): GLAAQEAEQG[Arg207Cys]VHVVYRRPPT